The following is an entry in ClinVar:

ClinVar aggregate classification (germline): Uncertain significance. Review status: criteria provided, multiple submitters, no conflicts (2 of 4 stars). 10 submissions from 9 submitters: Uncertain significance (8). 2 of the submissions do not count toward it. Last evaluated 2026-09-08.

Conditions:
Cardiovascular phenotype. Identifiers: MedGen CN230736.
Fabry disease. Also called: ALPHA-GALACTOSIDASE A DEFICIENCY; ANDERSON-FABRY DISEASE; CERAMIDE TRIHEXOSIDASE DEFICIENCY; Fabry's disease; Angiokeratoma corporis diffusum; Ceramide trihexosidosis. Identifiers: Orphanet 324, MedGen C0002986, MONDO:0010526, OMIM 301500, HP:0001071. Disease mechanism: loss of function, Fabry disease is due to inactivating mutations in the X-linked GLA gene resulting in deficiency of the enzyme Alpha Galactosidase-A..
Migalastat response. Also called: 1-Deoxygalactonojirimycin response; Galafold response. Identifiers: MedGen CN233149.

Allele frequency attached by ClinVar (database versions not stated): gnomAD 0.00001; gnomAD exomes below 0.00001; TOPMed below 0.00001.

Submissions (10):

Genomenon, Inc
Classification: Uncertain significance for Fabry disease. Last evaluated: 2026-09-08. Review status: criteria provided, single submitter. Criteria: Genomenon Sequence Variant Interpretation Standards - Updated. Collection method: curation. Allele origin: germline. Affected: yes.
Comment: GLA p.Ile242Val (c.724A>G) is a missense variant that changes the amino acid at codon 242 from Isoleucine to Valine. This variant has been observed in at least one proband with clinical features consistent with Fabry disease (PMID:31649303;32198894;34917096;38304433). Functional or patient cell studies have been reported (PMID:31649303;26415523;39343861). It is absent or not present at a significant frequency in gnomAD. In conclusion, we classify GLA p.Ile242Val (c.724A>G) as a variant of uncertain significance.

Labcorp Genetics (formerly Invitae), Labcorp
Classification: Uncertain significance for Fabry disease. Last evaluated: 2025-12-29. Review status: criteria provided, single submitter. Criteria: Invitae Variant Classification Sherloc (09022015). Collection method: clinical testing. Allele origin: germline.
Comment: This sequence change replaces isoleucine, which is neutral and non-polar, with valine, which is neutral and non-polar, at codon 242 of the GLA protein (p.Ile242Val). This variant is not present in population databases (gnomAD no frequency). This missense change has been observed in individual(s) with Fabry disease (PMID: 27356758, 31649303, 39343861). ClinVar contains an entry for this variant (Variation ID: 217396). Invitae Evidence Modeling of protein sequence and biophysical properties (such as structural, functional, and spatial information, amino acid conservation, physicochemical variation, residue mobility, and thermodynamic stability) indicates that this missense variant is not expected to disrupt GLA protein function with a negative predictive value of 80%. Experimental studies are conflicting or provide insufficient evidence to determine the effect of this variant on GLA function (PMID: 26415523). This variant disrupts the p.Ile242 amino acid residue in GLA. Other variant(s) that disrupt this residue have been observed in individuals with GLA-related conditions (PMID: 9105656, 23935525, 30386727, 33016649), which suggests that this may be a clinically significant amino acid residue. In summary, the available evidence is currently insufficient to determine the role of this variant in disease. Therefore, it has been classified as a Variant of Uncertain Significance.

Color Diagnostics, LLC DBA Color Health
Classification: Uncertain significance for Fabry disease. Last evaluated: 2025-02-03. Review status: criteria provided, single submitter. Criteria: ACMG Guidelines, 2015. Collection method: clinical testing. Allele origin: germline.
Comment: This missense variant replaces isoleucine with valine at codon 242 of the GLA protein. Computational prediction suggests that this variant may not impact protein structure and function. Several in vitro functional studies have shown that this variant is associated with a greater than 80% residual GLA enzyme activity (PMID: 26415523, 31649303). This variant has been reported in several individuals referred for Fabry testing with mild or non-classical phenotype (PMID: 26415523, 27356758, 31649303, 32198894). This variant has not been identified in the general population by the Genome Aggregation Database (gnomAD). The available evidence is insufficient to determine the role of this variant in disease conclusively. Therefore, this variant is classified as a Variant of Uncertain Significance.

Ambry Genetics
Classification: Uncertain significance for Cardiovascular phenotype. Last evaluated: 2023-09-08. Review status: criteria provided, single submitter. Criteria: Ambry Variant Classification Scheme 2023. Collection method: clinical testing. Allele origin: germline.
Comment: The p.I242V variant (also known as c.724A>G), located in coding exon 5 of the GLA gene, results from an A to G substitution at nucleotide position 724. The isoleucine at codon 242 is replaced by valine, an amino acid with highly similar properties. This alteration has been reported in Fabry disease cohorts (Lenders M et al. Orphanet J Rare Dis, 2016 May;11:54; Xiao K et al. Sci Rep, 2019 Oct;9:15277). An in vitro assay showed this alteration has >50% enzyme activity compared to wild-type (Lukas J et al. Hum Mutat, 2016 Jan;37:43-51). This amino acid position is not well conserved in available vertebrate species. In addition, this alteration is predicted to be tolerated by in silico analysis. Since supporting evidence is limited at this time, the clinical significance of this alteration remains unclear.

Fulgent Genetics
Classification: Uncertain significance for Fabry disease. Last evaluated: 2022-02-01. Review status: criteria provided, single submitter. Criteria: ACMG Guidelines, 2015. Collection method: clinical testing. Allele origin: unknown.

Genome-Nilou Lab
Classification: Uncertain significance for Fabry disease. Last evaluated: 2021-07-15. Review status: criteria provided, single submitter. Criteria: ACMG Guidelines, 2015. Collection method: clinical testing. Allele origin: germline. Affected: no.

Laboratory for Molecular Medicine, Mass General Brigham Personalized Medicine
Classification: Uncertain significance for Fabry disease. Last evaluated: 2018-04-19. Review status: criteria provided, single submitter. Criteria: ACMG Guidelines, 2015. Collection method: clinical testing. Allele origin: germline. Inheritance: Autosomal unknown.
Comment: The p.Ile242Val variant in GLA has been reported in 1 individual referred for Fabry testing with mildly elevated Globotriaosylceramide (Lukas 2016), was absent from large population studies. It has also been reported by other clinical laboratories in ClinVar (Variation ID: 217396). In vitro functional studies provide some evidence that the p.Ile242Val variant may mildly impact protein function (Lukas 2016). Isoleucine (Ile) at position 242 is not conserved in mammals or evolutionarily distant species and 6 species (including 4 mammals) carry a valine (Val) at this position, supporting that this change may be tolerated. Additional computational prediction tools suggest that the p.Ile242Val variant may not impact the protein. In summary, while the clinical significance of the p.Ile242Val variant is uncertain, these data suggest that it is more likely to be benign. ACMG/AMP Criteria applied: PM2; PS3_Supporting; BP4.

GeneDx
Classification: Uncertain significance. Last evaluated: 2017-01-05. Review status: criteria provided, single submitter. Criteria: GeneDx Variant Classification (06012015). Collection method: clinical testing. Allele origin: germline. Affected: yes.
Comment: A variant of uncertain significance has been identified in the GLA gene. The I242V variant has been reported in one patient referred for Fabry disease testing who had slightly elevated levels of Globotriaosylceramide (Lukas et al., 2016). This variant was not observed in approximately 6,500 individuals of European and African American ancestry in the NHLBI Exome Sequencing Project, indicating it is not a common benign variant in these populations. However, the I242V variant is a conservative amino acid substitution, which is not likely to impact secondary protein structure as these residues share similar properties. This substitution occurs at a position that is not conserved across species and where Valine is the wild type in several species. In silico analysis predicts this variant likely does not alter the protein structure/function. Finally, while missense variants affecting the same residue (I242N, I242F) have been reported in the Human Gene Mutation Database in association with Fabry disease (Stenson et al., 2014), the pathogencity of these variants has not been definitively determined.

Albrecht-Kossel-Institute, Medical University Rostock
Classification: drug response for deoxygalactonojirimycin response. Last evaluated: 2014-01-01. Review status: no assertion criteria provided. Collection method: research. Allele origin: inherited. Not counted in ClinVar's aggregate classification.

Albrecht-Kossel-Institute, Medical University Rostock
Classification: Pathogenic for Fabry's disease. Last evaluated: 2014-01-01. Review status: flagged submission. Collection method: research. Allele origin: inherited. Not counted in ClinVar's aggregate classification.
ClinVar note: Reason: Older and outlier claim with insufficient supporting evidence

Literature cited by the submitters: PubMed 31649303 (cited by 4 submitters); PubMed 32198894 (cited by Genomenon, Inc and Color Diagnostics, LLC DBA Color Health); PubMed 34917096 (cited by Genomenon, Inc); PubMed 38304433 (cited by Genomenon, Inc); PubMed 26415523 (cited by 6 submitters); PubMed 39343861 (cited by Genomenon, Inc and Labcorp Genetics (formerly Invitae), Labcorp); PubMed 27356758 (cited by Labcorp Genetics (formerly Invitae), Labcorp and Color Diagnostics, LLC DBA Color Health); PubMed 9105656 (cited by Labcorp Genetics (formerly Invitae), Labcorp); PubMed 23935525 (cited by Labcorp Genetics (formerly Invitae), Labcorp); PubMed 30386727 (cited by Labcorp Genetics (formerly Invitae), Labcorp); PubMed 33016649 (cited by Labcorp Genetics (formerly Invitae), Labcorp); PubMed 27142856 (cited by Ambry Genetics).

NM_000169.3(GLA):c.724A>G (p.Ile242Val)

Genes: GLA (galactosidase alpha; minus strand), RPL36A-HNRNPH2 (RPL36A-HNRNPH2 readthrough; plus strand). Cytogenetic location: Xq22.1.
Variant type: single nucleotide variant.
Coding change: c.724A>G on transcript NM_000169.3 (MANE Select); coding-DNA position 724, A replaced by G.
Protein change: p.Ile242Val; replaces isoleucine 242 with valine.
Molecular consequence: missense variant. On other transcripts: non-coding transcript variant (3), intron variant (2).
Genome position (GRCh38, 1-based): chrX:101,398,862, T>C on the plus strand (A>G on the coding strand, the complement: GLA is on the minus strand). VCF-style: chrX-101398862-T-C. GRCh37 (hg19) VCF-style: chrX-100653850-T-C.
Other names: c.847A>G, p.Ile283Val (NM_001406747.1); c.724A>G, p.Ile242Val (NM_001406748.1); c.300+3405T>C (NM_001199973.2); c.177+7040T>C (NM_001199974.2); short protein forms I242V, I283V.
Identifiers: ClinVar variation 217396 (VCV000217396.19), dbSNP rs397515873, ClinGen allele CA089373.